The following is an entry in ClinVar:

NM_003105.6(SORL1):c.1247G>A (p.Arg416Gln)

Gene: SORL1 (sortilin related receptor 1; plus strand). Cytogenetic location: 11q24.1.
Variant type: single nucleotide variant.
Coding change: c.1247G>A on transcript NM_003105.6 (MANE Select); coding-DNA position 1247, G replaced by A.
Protein change: p.Arg416Gln; replaces arginine 416 with glutamine.
Molecular consequence: missense variant.
Genome position (GRCh38, 1-based): chr11:121,520,692, G>A. VCF-style: chr11-121520692-G-A. GRCh37 (hg19) VCF-style: chr11-121391401-G-A.
Other names: short protein forms R416Q.
Identifiers: ClinVar variation 870550 (VCV000870550.5), dbSNP rs377550239, ClinGen allele CA6328584.
Genomic context (GRCh38, chr11:121,520,692, plus strand): 5'-ATAGCTGTTTATTTTCATATTGTAGGTATTTTGCAAATGAACCATTTGCTGACTTCCACC[G>A]AGTGGAAGGATTGCAAGGAGTCTACATTGCTACTCTGATTAATGGTTCTATGAATGAGGA-3'
Protein context (NP_003096.2, residues 406-426): FANEPFADFH[Arg416Gln]VEGLQGVYIA

ClinVar aggregate classification (germline): Conflicting classifications of pathogenicity. Review status: criteria provided, conflicting classifications (1 of 4 stars). 2 submissions from 2 submitters: Uncertain significance (1); Likely benign (1). Last evaluated 2022-07-22.

Conditions:
Early-onset dementia of unclear type.

Allele frequency attached by ClinVar (database versions not stated): TOPMed 0.00006.
gnomAD v4.1: 123 of 1,589,096 alleles (0.0077%); highest among the groups gnomAD compares: Non-Finnish European, 0.0098%; no homozygotes.

Submissions (2):

Labcorp Genetics (formerly Invitae), Labcorp
Classification: Uncertain significance. Last evaluated: 2022-07-22. Review status: criteria provided, single submitter. Criteria: Invitae Variant Classification Sherloc (09022015). Collection method: clinical testing. Allele origin: germline.
Comment: This sequence change replaces arginine, which is basic and polar, with glutamine, which is neutral and polar, at codon 416 of the SORL1 protein (p.Arg416Gln). This variant is present in population databases (rs377550239, gnomAD 0.007%). In summary, the available evidence is currently insufficient to determine the role of this variant in disease. Therefore, it has been classified as a Variant of Uncertain Significance. Algorithms developed to predict the effect of missense changes on protein structure and function are either unavailable or do not agree on the potential impact of this missense change (SIFT: "Deleterious"; PolyPhen-2: "Probably Damaging"; Align-GVGD: "Class C0"). ClinVar contains an entry for this variant (Variation ID: 870550). This variant has not been reported in the literature in individuals affected with SORL1-related conditions.

HudsonAlpha Institute for Biotechnology
Classification: Likely benign for Early-onset dementia of unclear type. Last evaluated: 2019-10-28. Review status: criteria provided, single submitter. Criteria: ACMG Guidelines, 2015. Collection method: research. Allele origin: unknown. Affected: yes.